The following is an entry in ClinVar:

ClinVar aggregate classification (germline): Uncertain significance (1 of 4 stars; one submission).

gnomAD v4.1: 1 of 1,534,320 alleles (0.000065%); no homozygotes.

Submission:

Ambry Genetics
Classification: Uncertain significance. Last evaluated: 2025-02-11. Review status: criteria provided, single submitter. Criteria: Ambry Variant Classification Scheme 2023. Collection method: clinical testing. Allele origin: germline.
Comment: The p.S1829N variant (also known as c.5486G>A), located in coding exon 22 of the WNK2 gene, results from a G to A substitution at nucleotide position 5486. The serine at codon 1829 is replaced by asparagine, an amino acid with highly similar properties. This amino acid position is conserved. In addition, this alteration is predicted to be tolerated by in silico analysis. Based on the available evidence, the clinical significance of this variant remains unclear.

NM_006648.4(WNK2):c.5486G>A (p.Ser1829Asn)

Gene: WNK2 (WNK lysine deficient protein kinase 2; plus strand). Cytogenetic location: 9q22.31.
Variant type: single nucleotide variant.
Coding change: c.5486G>A on transcript NM_006648.4 (MANE Select); coding-DNA position 5486, G replaced by A.
Protein change: p.Ser1829Asn; replaces serine 1829 with asparagine.
Molecular consequence: missense variant.
Genome position (GRCh38, 1-based): chr9:93,292,951, G>A. VCF-style: chr9-93292951-G-A. GRCh37 (hg19) VCF-style: chr9-96055233-G-A.
Other names: c.5597G>A, p.Ser1866Asn (NM_001282394.3); short protein forms S1866N, S1829N.
Identifiers: ClinVar variation 3817060 (VCV003817060.1).